The following is an entry in ClinVar:

ClinVar aggregate classification (germline): Pathogenic (1 of 4 stars; one submission).

Conditions:
Primary familial dilated cardiomyopathy (FDC). Also called: Familial dilated cardiomyopathy; Hypokinetic dilated cardiomyopathy, familial. Identifiers: Orphanet 217607, MedGen C0340427, MONDO:0016333.

Submission:

Women's Health and Genetics/Laboratory Corporation of America, LabCorp
Classification: Pathogenic for Primary familial dilated cardiomyopathy. Last evaluated: 2023-11-07. Review status: criteria provided, single submitter. Criteria: LabCorp Variant Classification Summary - May 2015. Collection method: clinical testing. Allele origin: germline.
Comment: Variant summary: FLNC c.1880_1887delATGTGCGG (p.Asp627ValfsX16) results in a premature termination codon, predicted to cause a truncation of the encoded protein or absence of the protein due to nonsense mediated decay, which are commonly known mechanisms for disease. The variant was absent in 249496 control chromosomes (gnomAD). To our knowledge, no occurrence of c.1880_1887delATGTGCGG in individuals affected with Dilated Cardiomyopathy and no experimental evidence demonstrating its impact on protein function have been reported. No submitters have reported clinical-significance assessments for this variant to ClinVar after 2014. Based on the evidence outlined above, the variant was classified as pathogenic.

NM_001458.5(FLNC):c.1880_1887del (p.Asp627fs)

Gene: FLNC (filamin C; plus strand). Cytogenetic location: 7q32.1.
Variant type: Deletion.
Coding change: c.1880_1887del on transcript NM_001458.5 (MANE Select); coding-DNA positions 1880 to 1887, 8 bases deleted (ATGTGCGG; older notation c.1880_1887delATGTGCGG).
Protein change: p.Asp627fs; shifts the reading frame from aspartic acid 627.
Molecular consequence: frameshift variant.
Genome position (GRCh38, 1-based): chr7:128,841,236-128,841,243, ATGTGCGG deleted; deleting any 8 consecutive bases within chr7:128,841,235-128,841,243 gives the same sequence; the c. name uses the placement nearest the transcript's 3' end. VCF-style (leftmost placement, unchanged base first): chr7-128841234-CGATGTGCG-C. GRCh37 (hg19) VCF-style: chr7-128481288-CGATGTGCG-C.
Other names: c.1880_1887del, p.Asp627fs (NM_001127487.2); c.1880_1887delATGTGCGG (NM_001458.5); short protein forms D627fs.
Identifiers: ClinVar variation 2682366 (VCV002682366.1), dbSNP rs2536628297, ClinGen allele CA2697557596.
Genomic context (GRCh38, chr7:128,841,234, plus strand): 5'-CTCCATCGAGGGGCCCTCACAAGCCAAGATCGAATGTGACGACAAGGGGGATGGCTCCTG[CGATGTGCG>C]GTACTGGCCCACGGAGCCTGGGGAGTACGCTGTGCACGTCATCTGTGACGATGAGGACAT-3'